The following is an entry in ClinVar:

NM_003126.4(SPTA1):c.6414del (p.Ile2138fs)

Gene: SPTA1 (spectrin alpha, erythrocytic 1; minus strand). Cytogenetic location: 1q23.1.
Variant type: Deletion.
Coding change: c.6414del on transcript NM_003126.4 (MANE Select); coding-DNA position 6414, one base deleted (T; older notation c.6414delT).
Protein change: p.Ile2138fs; shifts the reading frame from isoleucine 2138.
Molecular consequence: frameshift variant.
Genome position (GRCh38, 1-based): chr1:158,620,173, A deleted on the plus strand (T on the coding strand, the reverse complement: SPTA1 is on the minus strand); the first of 2 consecutive A bases (chr1:158,620,173-158,620,174); deleting either gives the same sequence. VCF-style (leftmost placement, unchanged base first): chr1-158620172-CA-C. GRCh37 (hg19) VCF-style: chr1-158589962-CA-C.
Other names: short protein forms I2138fs.
Identifiers: ClinVar variation 1033568 (VCV001033568.7), dbSNP rs767854151, ClinGen allele CA1182015.

ClinVar aggregate classification (germline): Likely pathogenic (1 of 4 stars; one submission).

Submission:

Mayo Clinic Laboratories, Mayo Clinic
Classification: Likely pathogenic. Last evaluated: 2023-05-24. Review status: criteria provided, single submitter. Criteria: ACMG Guidelines, 2015. Collection method: clinical testing. Allele origin: germline. Observed: 3 variant alleles.
Comment: PVS1, PM2